The following is an entry in ClinVar:

ClinVar aggregate classification (germline): Uncertain significance. Review status: criteria provided, single submitter (1 of 4 stars). 2 submissions from 2 submitters: Uncertain significance (1). 1 of the submissions does not count toward it. Last evaluated 2024-10-21.

Conditions:
Tay-Sachs disease (TSD). Also called: HEXA DEFICIENCY; GM2 gangliosidosis, type 1; Hexosaminidase alpha-subunit deficiency (variant B); Sphingolipidosis, Tay-Sachs; Hexosaminidase A Deficiency; HEXA Disorders. Identifiers: Orphanet 845, MedGen C0039373, MONDO:0010100, OMIM 272800.

gnomAD v4.1: 1 of 1,614,272 alleles (0.000062%); highest among the groups gnomAD compares: Non-Finnish European, 0.000085%; no homozygotes.

Submissions (2):

Foundation for Research in Genetics and Endocrinology, FRIGE's Institute of Human Genetics
Classification: Uncertain significance for Tay-Sachs disease. Last evaluated: 2024-10-21. Review status: criteria provided, single submitter. Criteria: ACMG Guidelines, 2015. Collection method: clinical testing. Allele origin: germline. Inheritance: Autosomal recessive inheritance. Affected: yes. Observed: 1 homozygote.
Comment: A homozygous missense variant in exon 1 of the HEXA gene that results in the amino acid substitution of Valine for Alanine at codon 54 (p.Ala54Val) was detected. This variant has not been reported in the 1000 genomes, gnomAD (v3.1), gnomAD (v2.1) and topmed databases. The reference codon is conserved across mammals. In summary, the variant meets our criteria to be classified as a variant of uncertain significance.

Natera, Inc.
Classification: Uncertain significance for Tay-Sachs disease. Last evaluated: 2025-02-05. Review status: no assertion criteria provided. Collection method: clinical testing. Allele origin: germline. Not counted in ClinVar's aggregate classification.

NM_000520.6(HEXA):c.161C>T (p.Ala54Val)

Gene: HEXA (hexosaminidase subunit alpha; minus strand). Cytogenetic location: 15q23.
Variant type: single nucleotide variant.
Coding change: c.161C>T on transcript NM_000520.6 (MANE Select); coding-DNA position 161, C replaced by T.
Protein change: p.Ala54Val; replaces alanine 54 with valine.
Molecular consequence: missense variant. On other transcripts: non-coding transcript variant (1).
Genome position (GRCh38, 1-based): chr15:72,375,812, G>A on the plus strand (C>T on the coding strand, the complement: HEXA is on the minus strand). VCF-style: chr15-72375812-G-A. GRCh37 (hg19) VCF-style: chr15-72668153-G-A.
Other names: p.Ala54Val; c.161C>T (NM_000520.5); c.161C>T, p.Ala54Val (NM_001318825.2); short protein forms A54V.
Identifiers: ClinVar variation 3366875 (VCV003366875.3).
Genomic context (GRCh38, chr15:72,375,812, plus strand): 5'-CCGAAAAGCAGGTCACGATAGCGCTGGAAGGCCTCGTCGAGGACTGAGCAGCCGGGCTGC[G>A]CGGCCGAGCTGACATCGTACTGGAATTGAAAGTTGTTCGGGTAAAGGACGTAGCGCTGGT-3'
Protein context (NP_000511.2, residues 44-64): FQFQYDVSSA[Ala54Val]QPGCSVLDEA